The following is an entry in ClinVar:

ClinVar aggregate classification (germline): Conflicting classifications of pathogenicity. Review status: criteria provided, conflicting classifications (1 of 4 stars). 3 submissions from 3 submitters: Uncertain significance (2); Likely benign (1). Last evaluated 2022-08-26.

Conditions:
Landau-Kleffner syndrome (FESD). Also called: EPILEPSY, FOCAL, WITH SPEECH DISORDER AND WITH OR WITHOUT MENTAL RETARDATION; APHASIA, ACQUIRED, WITH EPILEPSY. Identifiers: Orphanet 1945, Orphanet 725, Orphanet 98818, MedGen C0282512, MONDO:0009509, OMIM 245570.
Inborn genetic diseases. Identifiers: MedGen C0950123, MeSH D030342.

Allele frequency attached by ClinVar (database versions not stated): gnomAD exomes below 0.00001; ExAC 0.00001; gnomAD 0.00001; TOPMed 0.00001.
gnomAD v4.1: 16 of 1,611,268 alleles (0.00099%); highest among the groups gnomAD compares: Non-Finnish European, 0.0013%; no homozygotes.

Submissions (3):

Pittsburgh Clinical Genomics Laboratory, University of Pittsburgh Medical Center
Classification: Uncertain significance for Landau-Kleffner syndrome. Last evaluated: 2022-08-26. Review status: criteria provided, single submitter. Criteria: ACMG Guidelines, 2015. Collection method: clinical testing. Allele origin: germline. Inheritance: Autosomal dominant inheritance. Affected: yes.
Comment: This sequence variant is a single nucleotide substitution (C>T) at coding nucleotide 467 of the GRIN2A gene that results in a threonine to methionine amino acid change at residue 156 of NMDA 2A, the GRIN2A-encoded protein. The Thr156 residue falls in the amino (N) termil domain (PMID: 28242877), which is involved in glutamate sensor assembly and glutamate sensitivity (PMID: 30037851). This is a previously reported variant (ClinVar) that has not been observed in individuals with GRIN2A-related disorder in the published literature, to our knowledge. This variant is present in 1 of 244,862 alleles (0.0004%) in the gnomAD control population dataset. Multiple bioinformatic tools predict that this threonine to methionine amino acid change would be tolerated, and the Thr156 residue is moderately conserved across the vertebrate species examined. Studies examining the functiol consequence of this variant have not been published, to our knowledge. At this time, there is insufficient evidence to determine if this variant is pathogenic or benign. Therefore, we consider this a variant of uncertain significance. ACMG Criteria: BP1, BP4, PM2

Labcorp Genetics (formerly Invitae), Labcorp
Classification: Likely benign for Landau-Kleffner syndrome. Last evaluated: 2020-02-24. Review status: criteria provided, single submitter. Criteria: Invitae Variant Classification Sherloc (09022015). Collection method: clinical testing. Allele origin: germline.

Ambry Genetics
Classification: Uncertain significance for Inborn genetic diseases. Last evaluated: 2017-10-27. Review status: criteria provided, single submitter. Criteria: Ambry Variant Classification Scheme 2023. Collection method: clinical testing. Allele origin: germline.
Comment: The p.T156M variant (also known as c.467C>T), located in coding exon 2 of the GRIN2A gene, results from a C to T substitution at nucleotide position 467. The threonine at codon 156 is replaced by methionine, an amino acid with similar properties. This amino acid position is not well conserved in available vertebrate species. In addition, the in silico prediction for this alteration is inconclusive. Since supporting evidence is limited at this time, the clinical significance of this alteration remains unclear.

Literature cited by the submitters: PubMed 30037851 (cited by Pittsburgh Clinical Genomics Laboratory, University of Pittsburgh Medical Center); PubMed 28242877 (cited by Pittsburgh Clinical Genomics Laboratory, University of Pittsburgh Medical Center).

NM_001134407.3(GRIN2A):c.467C>T (p.Thr156Met)

Gene: GRIN2A (glutamate ionotropic receptor NMDA type subunit 2A; minus strand). Cytogenetic location: 16p13.2.
Variant type: single nucleotide variant.
Coding change: c.467C>T on transcript NM_001134407.3 (MANE Select); coding-DNA position 467, C replaced by T.
Protein change: p.Thr156Met; replaces threonine 156 with methionine.
Molecular consequence: missense variant.
Genome position (GRCh38, 1-based): chr16:9,938,499, G>A on the plus strand (C>T on the coding strand, the complement: GRIN2A is on the minus strand). VCF-style: chr16-9938499-G-A. GRCh37 (hg19) VCF-style: chr16-10032356-G-A.
Other names: c.467C>T, p.Thr156Met (NM_000833.5, NM_001134408.2); short protein forms T156M.
Identifiers: ClinVar variation 641977 (VCV000641977.12), dbSNP rs763500409, ClinGen allele CA7896944.